The following is an entry in ClinVar:

ClinVar aggregate classification (germline): Uncertain significance (1 of 4 stars; one submission).

gnomAD v4.1: 1 of 1,610,486 alleles (0.000062%); highest among the groups gnomAD compares: East Asian, 0.0022%; no homozygotes.

Submission:

Labcorp Genetics (formerly Invitae), Labcorp
Classification: Uncertain significance. Last evaluated: 2022-09-29. Review status: criteria provided, single submitter. Criteria: Invitae Variant Classification Sherloc (09022015). Collection method: clinical testing. Allele origin: germline.
Comment: In summary, the available evidence is currently insufficient to determine the role of this variant in disease. Therefore, it has been classified as a Variant of Uncertain Significance. Algorithms developed to predict the effect of missense changes on protein structure and function are either unavailable or do not agree on the potential impact of this missense change (SIFT: "Deleterious"; PolyPhen-2: "Probably Damaging"; Align-GVGD: "Class C0"). This variant has not been reported in the literature in individuals affected with SEPT9-related conditions. This variant is not present in population databases (gnomAD no frequency). This sequence change replaces asparagine, which is neutral and polar, with lysine, which is basic and polar, at codon 556 of the SEPT9 protein (p.Asn556Lys).

NM_001113491.2(SEPTIN9):c.1722C>A (p.Asn574Lys)

Gene: SEPTIN9 (septin 9; plus strand). Cytogenetic location: 17q25.3.
Variant type: single nucleotide variant.
Coding change: c.1722C>A on transcript NM_001113491.2 (MANE Select); coding-DNA position 1722, C replaced by A.
Protein change: p.Asn574Lys; replaces asparagine 574 with lysine.
Molecular consequence: missense variant.
Genome position (GRCh38, 1-based): chr17:77,498,619, C>A. VCF-style: chr17-77498619-C-A. GRCh37 (hg19) VCF-style: chr17-75494701-C-A.
Other names: c.1230C>A, p.Asn410Lys (NM_001113492.2, NM_001113494.1); c.1701C>A, p.Asn567Lys (NM_001113493.2); c.969C>A, p.Asn323Lys (NM_001113495.2, NM_001113496.2, NM_001293697.2 and 1 more transcripts); c.1665C>A, p.Asn555Lys (NM_001293695.2); c.1050C>A, p.Asn350Lys (NM_001293696.2); c.1668C>A, p.Asn556Lys (NM_006640.5); short protein forms N323K, N350K, N410K, N555K, N556K, N567K, N574K.
Identifiers: ClinVar variation 2445588 (VCV002445588.4), dbSNP rs111522601, ClinGen allele CA401205342.